The following is an entry in ClinVar:

ClinVar aggregate classification (germline): Pathogenic (1 of 4 stars; one submission).

Submission:

Athena Diagnostics
Classification: Pathogenic. Last evaluated: 2025-08-05. Review status: criteria provided, single submitter. Criteria: Athena Diagnostics Criteria. Collection method: clinical testing. Allele origin: unknown.
Comment: This variant is likely inserted in tandem within the DMD gene (PMID: 25640679) and, if so, would severely disrupt protein function. Similar duplications of DMD exons 3-7 have not been reported in large, multi-ethnic general populations (Genome Aggregation Database (gnomAD), Cambridge, MA (URL)). Similar duplications of DMD exons 3-7 have been reported primarily in patients with Duchenne muscular dystrophy (DMD), and also in individuals with Becker muscular dystrophy (BMD).

Literature cited by the submitters: PubMed 33644936; PubMed 27206868; PubMed 22510846; PubMed 37673877; PubMed 35751502; PubMed 12111668; PubMed 19937601; PubMed 26956251; PubMed 26911353; PubMed 16917894; PubMed 22894145; PubMed 24835530; PubMed 31705731; PubMed 22379338; PubMed 17259292; PubMed 15655674; PubMed 17253928; PubMed 18663755; PubMed 20036901.

Single allele

Gene: DMD (dystrophin; minus strand). Cytogenetic location: Xp21.1.
Variant type: Duplication.
Identifiers: ClinVar variation 4682486 (VCV004682486.1).